The following is an entry in ClinVar:

ClinVar aggregate classification (germline): Uncertain significance (1 of 4 stars; one submission).

Allele frequency attached by ClinVar (database versions not stated): gnomAD exomes below 0.00001; ExAC 0.00002.
gnomAD v4.1: 6 of 1,614,200 alleles (0.00037%); highest among the groups gnomAD compares: Admixed American, 0.0017%; no homozygotes.

Submission:

Labcorp Genetics (formerly Invitae), Labcorp
Classification: Uncertain significance. Last evaluated: 2024-11-11. Review status: criteria provided, single submitter. Criteria: Invitae Variant Classification Sherloc (09022015). Collection method: clinical testing. Allele origin: germline.
Comment: This sequence change replaces leucine, which is neutral and non-polar, with proline, which is neutral and non-polar, at codon 213 of the SIAE protein (p.Leu213Pro). This variant is present in population databases (rs764670190, gnomAD 0.002%). This variant has not been reported in the literature in individuals affected with SIAE-related conditions. ClinVar contains an entry for this variant (Variation ID: 2008703). An algorithm developed to predict the effect of missense changes on protein structure and function (PolyPhen-2) suggests that this variant is likely to be disruptive. In summary, the available evidence is currently insufficient to determine the role of this variant in disease. Therefore, it has been classified as a Variant of Uncertain Significance.

NM_170601.5(SIAE):c.638T>C (p.Leu213Pro)

Gene: SIAE (sialic acid acetylesterase; minus strand). Cytogenetic location: 11q24.2.
Variant type: single nucleotide variant.
Coding change: c.638T>C on transcript NM_170601.5 (MANE Select); coding-DNA position 638, T replaced by C.
Protein change: p.Leu213Pro; replaces leucine 213 with proline.
Molecular consequence: missense variant.
Genome position (GRCh38, 1-based): chr11:124,649,703, A>G on the plus strand (T>C on the coding strand, the complement: SIAE is on the minus strand). VCF-style: chr11-124649703-A-G. GRCh37 (hg19) VCF-style: chr11-124519599-A-G.
Other names: c.533T>C, p.Leu178Pro (NM_001199922.2); short protein forms L213P, L178P.
Identifiers: ClinVar variation 2008703 (VCV002008703.4), dbSNP rs764670190, ClinGen allele CA6341455.